The following is an entry in ClinVar:

ClinVar aggregate classification (germline): Uncertain significance. Review status: criteria provided, multiple submitters, no conflicts (2 of 4 stars). 2 submissions from 2 submitters: Uncertain significance (2). Last evaluated 2026-02-27.

Conditions:
IFT172-related disorder. Also called: IFT172-related disorders; IFT172-related condition.

gnomAD v4.1: 15 of 1,613,570 alleles (0.00093%); highest among the groups gnomAD compares: Non-Finnish European, 0.0013%; no homozygotes.

Submissions (2):

PreventionGenetics, part of Exact Sciences
Classification: Uncertain significance for IFT172-related condition. Last evaluated: 2026-02-27. Review status: criteria provided, single submitter. Criteria: ACMG Guidelines, 2015. Collection method: clinical testing. Allele origin: germline.
Comment: The IFT172 c.2022+5G>A variant is predicted to interfere with splicing. This variant is predicted to alter splicing based on available splicing prediction programs (SpliceAI, Jaganathan et al. 2019. PubMed ID: 30661751). To our knowledge, this variant has not been reported in the literature or in a large population database, indicating this variant is rare. At this time, the clinical significance of this variant is uncertain due to the absence of conclusive functional and genetic evidence.

Blueprint Genetics
Classification: Uncertain significance. Last evaluated: 2019-09-30. Review status: criteria provided, single submitter. Criteria: ACMG Guidelines, 2015. Collection method: clinical testing. Allele origin: germline.

NM_015662.3(IFT172):c.2022+5G>A

Gene: IFT172 (intraflagellar transport 172; minus strand). Cytogenetic location: 2p23.3.
Variant type: single nucleotide variant.
Coding change: c.2022+5G>A on transcript NM_015662.3 (MANE Select); 5 bases into the intron after coding-DNA position 2022, G replaced by A.
Molecular consequence: intron variant.
Genome position (GRCh38, 1-based): chr2:27,463,092, C>T on the plus strand (G>A on the coding strand, the complement: IFT172 is on the minus strand). VCF-style: chr2-27463092-C-T. GRCh37 (hg19) VCF-style: chr2-27685959-C-T.
Other names: c.1956+5G>A (NM_001410739.1).
Identifiers: ClinVar variation 3347263 (VCV003347263.3).
Genomic context (GRCh38, chr2:27,463,092, plus strand): 5'-GGGCTGAATACTAAGAGAAATCAGCTTGGGAGACAGACAGAATGAATCAGGAGCATAATA[C>T]TTGCATATTCCCGGGATACTTGATCTGCAATCTCATTGGTCTCATGCAGGAATCGAGCTT-3'